The following is an entry in ClinVar:

NM_020166.5(MCCC1):c.480G>A (p.Met160Ile)

Gene: MCCC1 (methylcrotonyl-CoA carboxylase subunit 1; minus strand). Cytogenetic location: 3q27.1.
Variant type: single nucleotide variant.
Coding change: c.480G>A on transcript NM_020166.5 (MANE Select); coding-DNA position 480, G replaced by A.
Protein change: p.Met160Ile; replaces methionine 160 with isoleucine.
Molecular consequence: missense variant. On other transcripts: non-coding transcript variant (2), intron variant (1).
Genome position (GRCh38, 1-based): chr3:183,072,377, C>T on the plus strand (G>A on the coding strand, the complement: MCCC1 is on the minus strand). VCF-style: chr3-183072377-C-T. GRCh37 (hg19) VCF-style: chr3-182790165-C-T.
Other names: c.153G>A, p.Met51Ile (NM_001363880.1); c.141-1020G>A (NM_001293273.2); short protein forms M160I, M51I.
Identifiers: ClinVar variation 2198554 (VCV002198554.4), dbSNP rs1716761848, ClinGen allele CA355330948.

ClinVar aggregate classification (germline): Uncertain significance (1 of 4 stars; one submission).

Conditions:
3-methylcrotonyl-CoA carboxylase 1 deficiency (MCC1D). Also called: MCCD TYPE 1; METHYLCROTONYLGLYCINURIA TYPE I; MCC 1 deficiency; 3 Alpha methylcrotonylglycinuria 1. Identifiers: Orphanet 6, MedGen CN028786, MONDO:0008861, OMIM 210200.

Allele frequency attached by ClinVar (database versions not stated): TOPMed below 0.00001.

Submission:

Labcorp Genetics (formerly Invitae), Labcorp
Classification: Uncertain significance for 3-methylcrotonyl-CoA carboxylase 1 deficiency. Last evaluated: 2022-07-18. Review status: criteria provided, single submitter. Criteria: Invitae Variant Classification Sherloc (09022015). Collection method: clinical testing. Allele origin: germline.
Comment: In summary, the available evidence is currently insufficient to determine the role of this variant in disease. Therefore, it has been classified as a Variant of Uncertain Significance. Algorithms developed to predict the effect of sequence changes on RNA splicing suggest that this variant may create or strengthen a splice site. Algorithms developed to predict the effect of missense changes on protein structure and function are either unavailable or do not agree on the potential impact of this missense change (SIFT: "Deleterious"; PolyPhen-2: "Probably Damaging"; Align-GVGD: "Class C0"). This variant has not been reported in the literature in individuals affected with MCCC1-related conditions. This variant is not present in population databases (gnomAD no frequency). This sequence change replaces methionine, which is neutral and non-polar, with isoleucine, which is neutral and non-polar, at codon 160 of the MCCC1 protein (p.Met160Ile).